The following is an entry in ClinVar:

NM_021969.3(NR0B2):c.155C>G (p.Pro52Arg)

Genes: NR0B2 (nuclear receptor subfamily 0 group B member 2; minus strand), NUDC (nuclear distribution C, dynein complex regulator; plus strand). Cytogenetic location: 1p36.11.
Variant type: single nucleotide variant.
Coding change: c.155C>G on transcript NM_021969.3 (MANE Select); coding-DNA position 155, C replaced by G.
Protein change: p.Pro52Arg; replaces proline 52 with arginine.
Molecular consequence: missense variant.
Genome position (GRCh38, 1-based): chr1:26,913,786, G>C on the plus strand (C>G on the coding strand, the complement: NR0B2 is on the minus strand). VCF-style: chr1-26913786-G-C. GRCh37 (hg19) VCF-style: chr1-27240277-G-C.
Other names: short protein forms P52R.
Identifiers: ClinVar variation 3348572 (VCV003348572.1).

ClinVar aggregate classification (germline): Uncertain significance (0 of 4 stars; one submission).

Conditions:
NR0B2-related disorder. Also called: NR0B2-related condition.

gnomAD v4.1: 43 of 1,553,578 alleles (0.0028%); highest among the groups gnomAD compares: Non-Finnish European, 0.0037%; no homozygotes.

Submission:

PreventionGenetics, part of Exact Sciences
Classification: Uncertain significance for NR0B2-related condition. Last evaluated: 2024-01-09. Review status: no assertion criteria provided. Collection method: clinical testing. Allele origin: germline.
Comment: The NR0B2 c.155C>G variant is predicted to result in the amino acid substitution p.Pro52Arg. To our knowledge, this variant has not been reported in the literature. This variant is reported in 0.0064% of alleles in individuals of African descent in gnomAD. At this time, the clinical significance of this variant is uncertain due to the absence of conclusive functional and genetic evidence.